The following is an entry in ClinVar:

ClinVar aggregate classification (germline): Benign. Review status: criteria provided, multiple submitters, no conflicts (2 of 4 stars). 3 submissions from 3 submitters: Benign (3). Last evaluated 2026-09-01.

Allele frequency attached by ClinVar (database versions not stated): ESP Exome Variant Server 0.00431; ExAC 0.00572; 1000 Genomes Project 0.00659; gnomAD exomes 0.00713; TOPMed 0.00737; 1000 Genomes Project 30x 0.00750.
gnomAD v4.1: 8,241 of 1,612,668 alleles (0.51%); highest among the groups gnomAD compares: Admixed American, 2.7%; 35 homozygotes.

Submissions (3):

CeGaT Center for Human Genetics Tuebingen
Classification: Benign. Last evaluated: 2026-09-01. Review status: criteria provided, single submitter. Criteria: CeGaT Center For Human Genetics Tuebingen Variant Classification Criteria Version 2. Collection method: clinical testing. Allele origin: germline. Affected: yes. Observed: 18 variant alleles.
Comment: DAGLA: BS1, BS2

Labcorp Genetics (formerly Invitae), Labcorp
Classification: Benign. Last evaluated: 2018-02-02. Review status: criteria provided, single submitter. Criteria: Invitae Variant Classification Sherloc (09022015). Collection method: clinical testing. Allele origin: germline.

Breakthrough Genomics
Classification: Benign. Review status: criteria provided, single submitter. Criteria: ACMG Guidelines, 2015. Collection method: not provided. Allele origin: germline. Inheritance: Unknown mechanism. Affected: yes.

NM_006133.3(DAGLA):c.2962C>G (p.Leu988Val)

Gene: DAGLA (diacylglycerol lipase alpha; plus strand). Cytogenetic location: 11q12.2.
Variant type: single nucleotide variant.
Coding change: c.2962C>G on transcript NM_006133.3 (MANE Select); coding-DNA position 2962, C replaced by G.
Protein change: p.Leu988Val; replaces leucine 988 with valine.
Molecular consequence: missense variant.
Genome position (GRCh38, 1-based): chr11:61,744,322, C>G. VCF-style: chr11-61744322-C-G. GRCh37 (hg19) VCF-style: chr11-61511794-C-G.
Other names: short protein forms L988V.
Identifiers: ClinVar variation 785888 (VCV000785888.11), dbSNP rs117050893, ClinGen allele CA6037305.